The following is an entry in ClinVar:

ClinVar aggregate classification (germline): Uncertain significance (1 of 4 stars; one submission).

Conditions:
Autosomal recessive severe congenital neutropenia due to CSF3R deficiency. Also called: Neutropenia, severe congenital, 7, autosomal recessive. Identifiers: Orphanet 420702, MedGen C4310764, MONDO:0014865, OMIM 617014.

gnomAD v4.1: 2 of 1,614,150 alleles (0.00012%); highest among the groups gnomAD compares: South Asian, 0.0011%; no homozygotes.

Submission:

Labcorp Genetics (formerly Invitae), Labcorp
Classification: Uncertain significance for Autosomal recessive severe congenital neutropenia due to CSF3R deficiency. Last evaluated: 2025-03-29. Review status: criteria provided, single submitter. Criteria: Invitae Variant Classification Sherloc (09022015). Collection method: clinical testing. Allele origin: germline.
Comment: This sequence change replaces proline, which is neutral and non-polar, with serine, which is neutral and polar, at codon 90 of the CSF3R protein (p.Pro90Ser). This variant is not present in population databases (gnomAD no frequency). This variant has not been reported in the literature in individuals affected with CSF3R-related conditions. Invitae Evidence Modeling of protein sequence and biophysical properties (such as structural, functional, and spatial information, amino acid conservation, physicochemical variation, residue mobility, and thermodynamic stability) indicates that this missense variant is not expected to disrupt CSF3R protein function with a negative predictive value of 80%. In summary, the available evidence is currently insufficient to determine the role of this variant in disease. Therefore, it has been classified as a Variant of Uncertain Significance.

NM_000760.4(CSF3R):c.268C>T (p.Pro90Ser)

Gene: CSF3R (colony stimulating factor 3 receptor; minus strand). Cytogenetic location: 1p34.3.
Variant type: single nucleotide variant.
Coding change: c.268C>T on transcript NM_000760.4 (MANE Select); coding-DNA position 268, C replaced by T.
Protein change: p.Pro90Ser; replaces proline 90 with serine.
Molecular consequence: missense variant.
Genome position (GRCh38, 1-based): chr1:36,475,470, G>A on the plus strand (C>T on the coding strand, the complement: CSF3R is on the minus strand). VCF-style: chr1-36475470-G-A. GRCh37 (hg19) VCF-style: chr1-36941071-G-A.
Other names: c.268C>T, p.Pro90Ser (NM_156039.3, NM_172313.3); short protein forms P90S.
Identifiers: ClinVar variation 4706489 (VCV004706489.1).